The following is an entry in ClinVar:

ClinVar aggregate classification (germline): Likely benign. Review status: criteria provided, multiple submitters, no conflicts (2 of 4 stars). 2 submissions from 2 submitters: Likely benign (2). Last evaluated 2024-11-22.

Conditions:
ADCY3-related disorder. Also called: ADCY3-related condition.

gnomAD v4.1: 42 of 1,614,098 alleles (0.0026%); highest among the groups gnomAD compares: Middle Eastern, 0.083%; no homozygotes.

Submissions (2):

PreventionGenetics, part of Exact Sciences
Classification: Likely benign for ADCY3-related condition. Last evaluated: 2024-11-22. Review status: criteria provided, single submitter. Criteria: ACMG Guidelines, 2015. Collection method: clinical testing. Allele origin: germline.
Comment: This variant is classified as likely benign based on ACMG/AMP sequence variant interpretation guidelines (Richards et al. 2015 PMID: 25741868, with internal and published modifications).

Labcorp Genetics (formerly Invitae), Labcorp
Classification: Likely benign. Last evaluated: 2024-08-10. Review status: criteria provided, single submitter. Criteria: Invitae Variant Classification Sherloc (09022015). Collection method: clinical testing. Allele origin: germline.

NM_004036.5(ADCY3):c.951C>T (p.Asn317=)

Gene: ADCY3 (adenylate cyclase 3; minus strand). Cytogenetic location: 2p23.3.
Variant type: single nucleotide variant.
Coding change: c.951C>T on transcript NM_004036.5 (MANE Select); coding-DNA position 951, C replaced by T.
Protein change: p.Asn317=; no amino-acid change (asparagine 317 retained).
Molecular consequence: synonymous variant.
Genome position (GRCh38, 1-based): chr2:24,842,259, G>A on the plus strand (C>T on the coding strand, the complement: ADCY3 is on the minus strand). VCF-style: chr2-24842259-G-A. GRCh37 (hg19) VCF-style: chr2-25065128-G-A.
Other names: c.951C>T, p.Asn317= (NM_001320613.2, NM_001377128.1, NM_001377129.1 and 2 more transcripts); c.228C>T, p.Asn76= (NM_001377131.1); c.951C>T (NM_001320613.1).
Identifiers: ClinVar variation 3671929 (VCV003671929.3).
Genomic context (GRCh38, chr2:24,842,259, plus strand): 5'-TGCAGCCCTCCACAGCCTGCTCTGCCATCAGAGCCCGCGCCCCGGGCCGGCGTACCTGAC[G>A]TTCTCGTGACGGTACATGTACATGGTGTTGAACTGCTGCTGGTCCTTCTGGCTCTCGTCT-3'
Protein context (NP_004027.2, residues 307-327): FNTMYMYRHE[Asn317=]VSILFADIVG